The following is an entry in ClinVar:

ClinVar aggregate classification (germline): Pathogenic (1 of 4 stars; one submission).

Conditions:
Marfan syndrome (MFS). Also called: MARFAN SYNDROME, TYPE I; Marfan syndrome type 1; Marfan's syndrome; Marfan syndrome, classic; FBN1-Related Marfan Syndrome. Identifiers: Orphanet 284963, Orphanet 558, MedGen C0024796, MONDO:0007947, OMIM 154700.
Familial thoracic aortic aneurysm and aortic dissection (TAAD). Also called: Thoracic aortic aneurysms and dissections. Identifiers: Orphanet 91387, MedGen C4707243, MONDO:0019625.

Submission:

Labcorp Genetics (formerly Invitae), Labcorp
Classification: Pathogenic for Marfan syndrome; Familial thoracic aortic aneurysm and aortic dissection. Last evaluated: 2023-07-25. Review status: criteria provided, single submitter. Criteria: Invitae Variant Classification Sherloc (09022015). Collection method: clinical testing. Allele origin: unknown.
Comment: This variant has not been reported in the literature in individuals affected with FBN1-related conditions. This variant results in the deletion of part of exon 43 (c.5251_5296+1582delinsTG) of the FBN1 gene. It is expected to disrupt RNA splicing. Variants that disrupt the donor or acceptor splice site typically lead to a loss of protein function (PMID: 16199547), and loss-of-function variants in FBN1 are known to be pathogenic (PMID: 17657824, 19293843). This variant disrupts a region of the FBN1 protein in which other variant(s) (p.Gly1754Val) have been determined to be pathogenic (PMID: 33030311). This suggests that this is a clinically significant region of the protein, and that variants that disrupt it are likely to be disease-causing. For these reasons, this variant has been classified as Pathogenic.

Literature cited by the submitters: PubMed 16199547; PubMed 17657824; PubMed 19293843; PubMed 33030311.

NC_000015.9:g.(?_48750861)_(48752488_?)del

Gene: FBN1 (fibrillin 1; minus strand). Cytogenetic location: 15q21.1.
Variant type: Deletion.
Identifiers: ClinVar variation 3243735 (VCV003243735.1).